The following is an entry in ClinVar:

NM_005157.6(ABL1):c.2351C>G (p.Pro784Arg)

Gene: ABL1 (ABL proto-oncogene 1, non-receptor tyrosine kinase; plus strand). Cytogenetic location: 9q34.12.
Variant type: single nucleotide variant.
Coding change: c.2351C>G on transcript NM_005157.6 (MANE Select); coding-DNA position 2351, C replaced by G.
Protein change: p.Pro784Arg; replaces proline 784 with arginine.
Molecular consequence: missense variant.
Genome position (GRCh38, 1-based): chr9:130,884,641, C>G. VCF-style: chr9-130884641-C-G. GRCh37 (hg19) VCF-style: chr9-133760028-C-G.
Other names: c.2408C>G, p.Pro803Arg (NM_007313.3); short protein forms P784R, P803R.
Identifiers: ClinVar variation 1333299 (VCV001333299.2), dbSNP rs1355021408, ClinGen allele CA375256044.

ClinVar aggregate classification (germline): Uncertain significance. Review status: criteria provided, multiple submitters, no conflicts (2 of 4 stars). 2 submissions from 2 submitters: Uncertain significance (2). Last evaluated 2025-09-28.

Conditions:
Congenital heart defects and skeletal malformations syndrome. Identifiers: Orphanet 643503, MedGen C4539857, MONDO:0060532, OMIM 617602.

Allele frequency attached by ClinVar (database versions not stated): TOPMed 0.00001; gnomAD 0.00002 and 0.00003.
gnomAD v4.1: 20 of 1,613,138 alleles (0.0012%); highest among the groups gnomAD compares: East Asian, 0.0045%; no homozygotes.

Submissions (2):

Labcorp Genetics (formerly Invitae), Labcorp
Classification: Uncertain significance. Last evaluated: 2025-09-28. Review status: criteria provided, single submitter. Criteria: Invitae Variant Classification Sherloc (09022015). Collection method: clinical testing. Allele origin: germline.
Comment: This sequence change replaces proline, which is neutral and non-polar, with arginine, which is basic and polar, at codon 803 of the ABL1 protein (p.Pro803Arg). This variant is not present in population databases (gnomAD no frequency). This variant has not been reported in the literature in individuals affected with ABL1-related conditions. ClinVar contains an entry for this variant (Variation ID: 1333299). Invitae Evidence Modeling of protein sequence and biophysical properties (such as structural, functional, and spatial information, amino acid conservation, physicochemical variation, residue mobility, and thermodynamic stability) indicates that this missense variant is not expected to disrupt ABL1 protein function with a negative predictive value of 95%. In summary, the available evidence is currently insufficient to determine the role of this variant in disease. Therefore, it has been classified as a Variant of Uncertain Significance.

3billion
Classification: Uncertain significance for Congenital heart defects and skeletal malformations syndrome. Last evaluated: 2022-01-03. Review status: criteria provided, single submitter. Criteria: ACMG Guidelines, 2015. Collection method: clinical testing. Allele origin: germline. Affected: yes. Observed: 1 heterozygote.
Comment: A different missense change at the same codon has been reported as pathogenic/likely pathogenic with strong evidence (ClinVar ID: VCV001029154, PM5_M). A missense variant is a common mechanism associated with Congenital heart defects and skeletal malformations syndrome (PP2_P). It is not observed in the gnomAD v2.1.1 dataset (PM2_M). In silico tool predictions suggest no damaging effect of the variant on gene or gene product (REVEL:0.215<=0.4, 3CNET:0.042<=0.25, BP4_P).Therefore, this variant is classified as uncertain significance according to the recommendation of ACMG/AMP guideline.